The following is an entry in ClinVar:

NM_016492.5(RANGRF):c.128C>T (p.Thr43Met)

Genes: RANGRF (RAN guanine nucleotide release factor; plus strand), SLC25A35 (solute carrier family 25 member 35; minus strand), LOC130060241 (ATAC-STARR-seq lymphoblastoid active region 11693; plus strand). Cytogenetic location: 17p13.1.
Variant type: single nucleotide variant.
Coding change: c.128C>T on transcript NM_016492.5 (MANE Select); coding-DNA position 128, C replaced by T.
Protein change: p.Thr43Met; replaces threonine 43 with methionine.
Molecular consequence: missense variant. On other transcripts: 3 prime UTR variant (2), non-coding transcript variant (2), intron variant (1).
Genome position (GRCh38, 1-based): chr17:8,289,006, C>T. VCF-style: chr17-8289006-C-T. GRCh37 (hg19) VCF-style: chr17-8192324-C-T.
Other names: c.128C>T, p.Thr43Met (NM_001177801.2, NM_001177802.2, NM_001330127.2); c.*477G>A (NM_001320872.2); c.*610G>A (NM_201520.3); c.*42+568G>A (NM_001320871.2); short protein forms T43M.
Identifiers: ClinVar variation 1039994 (VCV001039994.10), dbSNP rs769218673, ClinGen allele CA8374324.

ClinVar aggregate classification (germline): Uncertain significance (1 of 4 stars; one submission).

Conditions:
Cardiac arrhythmia. Also called: Arrhythmia; Cardiac rhythm disease. Identifiers: MedGen C0003811, MONDO:0007263, HP:0011675.

Allele frequency attached by ClinVar (database versions not stated): TOPMed below 0.00001; gnomAD 0.00001.
gnomAD v4.1: 6 of 1,614,034 alleles (0.00037%); highest among the groups gnomAD compares: Admixed American, 0.0067%; no homozygotes.

Submission:

Labcorp Genetics (formerly Invitae), Labcorp
Classification: Uncertain significance for Cardiac arrhythmia. Last evaluated: 2022-03-18. Review status: criteria provided, single submitter. Criteria: Invitae Variant Classification Sherloc (09022015). Collection method: clinical testing. Allele origin: germline.
Comment: This sequence change replaces threonine, which is neutral and polar, with methionine, which is neutral and non-polar, at codon 43 of the RANGRF protein (p.Thr43Met). This variant is present in population databases (rs769218673, gnomAD 0.01%). This variant has not been reported in the literature in individuals affected with RANGRF-related conditions. ClinVar contains an entry for this variant (Variation ID: 1039994). Algorithms developed to predict the effect of missense changes on protein structure and function (SIFT, PolyPhen-2, Align-GVGD) all suggest that this variant is likely to be disruptive. In summary, the available evidence is currently insufficient to determine the role of this variant in disease. Therefore, it has been classified as a Variant of Uncertain Significance.